The following is an entry in ClinVar:

NM_001999.4(FBN2):c.2684A>G (p.Lys895Arg)

Gene: FBN2 (fibrillin 2; minus strand). Cytogenetic location: 5q23.3.
Variant type: single nucleotide variant.
Coding change: c.2684A>G on transcript NM_001999.4 (MANE Select); coding-DNA position 2684, A replaced by G.
Protein change: p.Lys895Arg; replaces lysine 895 with arginine.
Molecular consequence: missense variant.
Genome position (GRCh38, 1-based): chr5:128,350,996, T>C on the plus strand (A>G on the coding strand, the complement: FBN2 is on the minus strand). VCF-style: chr5-128350996-T-C. GRCh37 (hg19) VCF-style: chr5-127686688-T-C.
Other names: short protein forms K895R.
Identifiers: ClinVar variation 519805 (VCV000519805.23), dbSNP rs143565958, ClinGen allele CA3395471.

ClinVar aggregate classification (germline): Likely benign. Review status: criteria provided, multiple submitters, no conflicts (2 of 4 stars). 6 submissions from 6 submitters: Likely benign (5). 1 of the submissions does not count toward it. Last evaluated 2026-01-06.

Conditions:
FBN2-related disorder. Also called: FBN2-related condition.
Familial thoracic aortic aneurysm and aortic dissection (TAAD). Also called: Thoracic aortic aneurysms and dissections. Identifiers: Orphanet 91387, MedGen C4707243, MONDO:0019625.
Congenital contractural arachnodactyly (CCA). Also called: BEALS SYNDROME; Beals-Hecht syndrome; Arthrogryposis, distal, type 9. Identifiers: Orphanet 115, MedGen C0220668, MONDO:0007363, OMIM 121050.

Allele frequency attached by ClinVar (database versions not stated): gnomAD exomes 0.00007 and 0.00020; ExAC 0.00028; gnomAD 0.00070 and 0.00074; ESP Exome Variant Server 0.00077; TOPMed 0.00084; 1000 Genomes Project 30x 0.00094; 1000 Genomes Project 0.00100.
gnomAD v4.1: 213 of 1,614,202 alleles (0.013%); highest among the groups gnomAD compares: African/African-American, 0.27%; no homozygotes.

Submissions (6):

Labcorp Genetics (formerly Invitae), Labcorp
Classification: Likely benign for Congenital contractural arachnodactyly. Last evaluated: 2026-01-06. Review status: criteria provided, single submitter. Criteria: Invitae Variant Classification Sherloc (09022015). Collection method: clinical testing. Allele origin: germline.

Blueprint Genetics
Classification: Likely benign. Last evaluated: 2024-08-30. Review status: criteria provided, single submitter. Criteria: ACMG Guidelines, 2015. Collection method: clinical testing. Allele origin: germline.

Women's Health and Genetics/Laboratory Corporation of America, LabCorp
Classification: Likely benign. Last evaluated: 2024-06-24. Review status: criteria provided, single submitter. Criteria: LabCorp Variant Classification Summary - May 2015. Collection method: clinical testing. Allele origin: germline.

GeneDx
Classification: Likely benign. Last evaluated: 2021-02-24. Review status: criteria provided, single submitter. Criteria: GeneDx Variant Classification Process June 2021. Collection method: clinical testing. Allele origin: germline. Affected: yes.

Ambry Genetics
Classification: Likely benign for Familial thoracic aortic aneurysm and aortic dissection. Last evaluated: 2017-12-26. Review status: criteria provided, single submitter. Criteria: Ambry Variant Classification Scheme 2023. Collection method: clinical testing. Allele origin: germline.

PreventionGenetics, part of Exact Sciences
Classification: Likely benign for FBN2-related condition. Last evaluated: 2020-11-06. Review status: no assertion criteria provided. Collection method: clinical testing. Allele origin: germline. Not counted in ClinVar's aggregate classification.
Comment: This variant is classified as likely benign based on ACMG/AMP sequence variant interpretation guidelines (Richards et al. 2015 PMID: 25741868, with internal and published modifications).